The following is an entry in ClinVar:

ClinVar aggregate classification (germline): Uncertain significance (1 of 4 stars; one submission).

Conditions:
Ataxia-telangiectasia syndrome (AT). Also called: Cerebello-oculocutaneous telangiectasia; Immunodeficiency with ataxia telangiectasia; Ataxia-telangiectasia, complementation group E; LOUIS-BAR SYNDROME; Ataxia telangiectasia (A-T); AT, COMPLEMENTATION GROUP C. Identifiers: Orphanet 100, MedGen C0004135, MONDO:0008840, OMIM 208900.

Submission:

Labcorp Genetics (formerly Invitae), Labcorp
Classification: Uncertain significance for Ataxia-telangiectasia syndrome. Last evaluated: 2023-11-09. Review status: criteria provided, single submitter. Criteria: Invitae Variant Classification Sherloc (09022015). Collection method: clinical testing. Allele origin: germline.
Comment: This sequence change replaces tyrosine, which is neutral and polar, with aspartic acid, which is acidic and polar, at codon 1753 of the ATM protein (p.Tyr1753Asp). This variant is not present in population databases (gnomAD no frequency). This variant has not been reported in the literature in individuals affected with ATM-related conditions. An algorithm developed to predict the effect of missense changes on protein structure and function (PolyPhen-2) suggests that this variant is likely to be tolerated. In summary, the available evidence is currently insufficient to determine the role of this variant in disease. Therefore, it has been classified as a Variant of Uncertain Significance.

NM_000051.4(ATM):c.5257T>G (p.Tyr1753Asp)

Gene: ATM (ATM serine/threonine kinase; plus strand). Cytogenetic location: 11q22.3.
Variant type: single nucleotide variant.
Coding change: c.5257T>G on transcript NM_000051.4 (MANE Select); coding-DNA position 5257, T replaced by G.
Protein change: p.Tyr1753Asp; replaces tyrosine 1753 with aspartic acid.
Molecular consequence: missense variant.
Genome position (GRCh38, 1-based): chr11:108,301,727, T>G. VCF-style: chr11-108301727-T-G. GRCh37 (hg19) VCF-style: chr11-108172454-T-G.
Other names: c.5257T>G, p.Tyr1753Asp (NM_001351834.2); short protein forms Y1753D.
Identifiers: ClinVar variation 2694468 (VCV002694468.3), dbSNP rs2135913864, ClinGen allele CA382542514.
Genomic context (GRCh38, chr11:108,301,727, plus strand): 5'-GCTGTTACCTGTTTGAAAAACATTTTAGCCACAAAGACTGGACATAGTTTCTGGGAGATT[T>G]ATAAGATGACAACAGATCCAATGCTGGCCTATCTACAGCCTTTTAGAACATCAAGAAAAA-3'
Protein context (NP_000042.3, residues 1743-1763): TKTGHSFWEI[Tyr1753Asp]KMTTDPMLAY